The following is an entry in ClinVar:

ClinVar aggregate classification (germline): Uncertain significance (1 of 4 stars; one submission).
ClinVar aggregate classification (oncogenicity): Uncertain significance (1 of 4 stars; one submission).

Conditions:
Hereditary cancer-predisposing syndrome. Also called: Tumor predisposition; Neoplastic Syndromes, Hereditary; Hereditary neoplastic syndrome; Hereditary Cancer Syndrome. Identifiers: Orphanet 140162, MedGen C0027672, MeSH D009386, MONDO:0015356.
Neoplasm. Also called: tumor; Neoplasms; Neoplasm (disease). Identifiers: MedGen C0027651, MeSH D009369, MONDO:0005070, HP:0002664.

Submissions (2):

Center for Genomic Medicine, Rigshospitalet, Copenhagen University Hospital
Classification: Uncertain significance for Neoplasm. Last evaluated: 2025-12-29. Review status: criteria provided, single submitter. Criteria: ClinGen/CGC/VICC Guidelines for Oncogenicity, 2022. Collection method: clinical testing. Allele origin: somatic. Affected: yes.

Ambry Genetics
Classification: Uncertain significance for Hereditary cancer-predisposing syndrome. Last evaluated: 2024-10-09. Review status: criteria provided, single submitter. Criteria: Ambry Variant Classification Scheme 2023. Collection method: clinical testing. Allele origin: germline.
Comment: The c.1119-1G>A intronic variant results from a G to A substitution one nucleotide upstream from coding exon 9 of the SMARCB1 gene. This nucleotide position is highly conserved in available vertebrate species. In silico splice site analysis predicts that this alteration will weaken the native splice acceptor site and will result in the creation or strengthening of a novel splice acceptor site; however, direct evidence is insufficient at this time (Ambry internal data). Based on the available evidence, the clinical significance of this variant remains unclear.

NM_003073.5(SMARCB1):c.1119-1G>A

Gene: SMARCB1 (SWI/SNF related BAF chromatin remodeling complex subunit B1; plus strand). Cytogenetic location: 22q11.23.
Variant type: single nucleotide variant.
Coding change: c.1119-1G>A on transcript NM_003073.5 (MANE Select); the canonical splice acceptor site of the intron before coding-DNA position 1119, G replaced by A.
Molecular consequence: splice acceptor variant.
Genome position (GRCh38, 1-based): chr22:23,834,140, G>A. VCF-style: chr22-23834140-G-A. GRCh37 (hg19) VCF-style: chr22-24176327-G-A.
Other names: c.1173-1G>A (NM_001362877.2); c.1146-1G>A (NM_001317946.2); c.1092-1G>A (NM_001007468.3).
Identifiers: ClinVar variation 3446082 (VCV003446082.2).
Genomic context (GRCh38, chr22:23,834,140, plus strand): 5'-AAGGGCAGCGCCCAGGCTGGGAGCTGGCCCCGACTCATTGCCCTCCCCACTCCTCTTCCA[G>A]GCGGATGAGGCGTCTTGCCAACACGGCCCCGGCCTGGTAACCAGCCCATCAGCACACGGC-3'